The following is an entry in ClinVar:

NM_000096.4(CP):c.3G>T (p.Met1Ile)

Gene: CP (ceruloplasmin; minus strand). Cytogenetic location: 3q25.1.
Variant type: single nucleotide variant.
Coding change: c.3G>T on transcript NM_000096.4 (MANE Select); coding-DNA position 3, G replaced by T.
Protein change: p.Met1Ile; changes the start codon (methionine 1).
Molecular consequence: missense variant, initiator codon variant. On other transcripts: non-coding transcript variant (1).
Genome position (GRCh38, 1-based): chr3:149,221,790, C>A on the plus strand (G>T on the coding strand, the complement: CP is on the minus strand). VCF-style: chr3-149221790-C-A. GRCh37 (hg19) VCF-style: chr3-148939577-C-A.
Other names: short protein forms M1I.
Identifiers: ClinVar variation 3336202 (VCV003336202.2).

ClinVar aggregate classification (germline): Conflicting classifications of pathogenicity. Review status: criteria provided, conflicting classifications (1 of 4 stars). 2 submissions from 2 submitters: Likely pathogenic (1); Uncertain significance (1). Last evaluated 2024-05-03.

Conditions:
Deficiency of ferroxidase (ACEP). Also called: NEURODEGENERATION WITH BRAIN IRON ACCUMULATION 10; Aceruloplasminemia; Ceruloplasmin deficiency; Familial apoceruloplasmin deficiency; Hereditary ceruloplasmin deficiency; Deficiency of ceruloplasmin. Identifiers: Orphanet 48818, MedGen C0878682, MONDO:0011426, OMIM 604290, HP:0025498.

Submissions (2):

Women's Health and Genetics/Laboratory Corporation of America, LabCorp
Classification: Uncertain significance. Last evaluated: 2024-05-03. Review status: criteria provided, single submitter. Criteria: LabCorp Variant Classification Summary - May 2015. Collection method: clinical testing. Allele origin: germline.
Comment: Variant summary: CP c.3G>T (p.Met1Ile) alters the initiation codon and is predicted to result either in absence of the protein or truncation of the encoded protein due to translation initiation at a downstream codon. The next in-frame methionine is located at codon 158. Three of four in-silico tools predict a damaging effect of the variant on protein function. The variant was absent in 250970 control chromosomes. The available data on variant occurrences in the general population are insufficient to allow any conclusion about variant significance. To our knowledge, no occurrence of c.3G>T in individuals affected with Neurodegeneration With Brain Iron Accumulation and no experimental evidence demonstrating its impact on protein function have been reported. No submitters have cited clinical-significance assessments for this variant to ClinVar. Based on the evidence outlined above, the variant was classified as uncertain significance.

Fulgent Genetics
Classification: Likely pathogenic for Deficiency of ferroxidase. Last evaluated: 2024-05-02. Review status: criteria provided, single submitter. Criteria: ACMG Guidelines, 2015. Collection method: clinical testing. Allele origin: germline.